The following is an entry in ClinVar:

NM_020686.6(ABAT):c.1092C>A (p.Phe364Leu)

Gene: ABAT (4-aminobutyrate aminotransferase; plus strand). Cytogenetic location: 16p13.2.
Variant type: single nucleotide variant.
Coding change: c.1092C>A on transcript NM_020686.6 (MANE Select); coding-DNA position 1092, C replaced by A.
Protein change: p.Phe364Leu; replaces phenylalanine 364 with leucine.
Molecular consequence: missense variant.
Genome position (GRCh38, 1-based): chr16:8,775,027, C>A. VCF-style: chr16-8775027-C-A. GRCh37 (hg19) VCF-style: chr16-8868884-C-A.
Other names: c.1092C>A, p.Phe364Leu (NM_000663.5, NM_001127448.2, NM_001386600.1 and 6 more transcripts); c.1053C>A, p.Phe351Leu (NM_001386605.1); c.1029C>A, p.Phe343Leu (NM_001386606.1, NM_001386607.1); c.999C>A, p.Phe333Leu (NM_001386608.1); c.957C>A, p.Phe319Leu (NM_001386610.1, NM_001386611.1); c.894C>A, p.Phe298Leu (NM_001386612.1, NM_001386613.1); c.846C>A, p.Phe282Leu (NM_001386614.1); c.1188C>A, p.Phe396Leu (NM_001386615.1); short protein forms F298L, F351L, F282L, F319L, F364L, F343L, F333L, F396L.
Identifiers: ClinVar variation 2199470 (VCV002199470.1), dbSNP rs764537926, ClinGen allele CA277473859.
Genomic context (GRCh38, chr16:8,775,027, plus strand): 5'-GGGCCTGGATGACCCAGCAGACGTGATGACCTTCAGCAAGAAGATGATGACTGGGGGCTT[C>A]TTCCACAAGGAGGAGTTCAGGCCTAATGCTGTGAGTTGGAGCCAACCTTCTCTCTACATC-3'
Protein context (NP_065737.2, residues 354-374): TFSKKMMTGG[Phe364Leu]FHKEEFRPNA

ClinVar aggregate classification (germline): Uncertain significance (1 of 4 stars; one submission).

Conditions:
Gamma-aminobutyric acid transaminase deficiency (GABATD). Also called: GABA transaminase deficiency; Gamma aminobutyrate transaminase deficiency; 4 alpha aminobutyrate transaminase deficiency; GABA aminotransaminase deficiency. Identifiers: Orphanet 2066, MedGen C0342708, MONDO:0013166, OMIM 613163.

Allele frequency attached by ClinVar (database versions not stated): gnomAD 0.00001; gnomAD exomes 0.00002; TOPMed 0.00002.
gnomAD v4.1: 27 of 1,614,094 alleles (0.0017%); highest among the groups gnomAD compares: Non-Finnish European, 0.0021%; no homozygotes.

Submission:

Labcorp Genetics (formerly Invitae), Labcorp
Classification: Uncertain significance for Gamma-aminobutyric acid transaminase deficiency. Last evaluated: 2022-05-27. Review status: criteria provided, single submitter. Criteria: Invitae Variant Classification Sherloc (09022015). Collection method: clinical testing. Allele origin: germline.
Comment: This sequence change replaces phenylalanine, which is neutral and non-polar, with leucine, which is neutral and non-polar, at codon 364 of the ABAT protein (p.Phe364Leu). This variant is present in population databases (rs764537926, gnomAD 0.003%). This variant has not been reported in the literature in individuals affected with ABAT-related conditions. Algorithms developed to predict the effect of missense changes on protein structure and function are either unavailable or do not agree on the potential impact of this missense change (SIFT: "Deleterious"; PolyPhen-2: "Benign"; Align-GVGD: "Class C0"). In summary, the available evidence is currently insufficient to determine the role of this variant in disease. Therefore, it has been classified as a Variant of Uncertain Significance.